The following is an entry in ClinVar:

NM_000038.6(APC):c.5615T>C (p.Val1872Ala)

Gene: APC (APC regulator of Wnt signaling pathway; plus strand). Cytogenetic location: 5q22.2.
Variant type: single nucleotide variant.
Coding change: c.5615T>C on transcript NM_000038.6 (MANE Select); coding-DNA position 5615, T replaced by C.
Protein change: p.Val1872Ala; replaces valine 1872 with alanine.
Molecular consequence: missense variant.
Genome position (GRCh38, 1-based): chr5:112,841,209, T>C. VCF-style: chr5-112841209-T-C. GRCh37 (hg19) VCF-style: chr5-112176906-T-C.
Other names: c.5615T>C, p.Val1872Ala (NM_001127510.3, NM_001354895.2); c.5561T>C, p.Val1854Ala (NM_001127511.3); c.5669T>C, p.Val1890Ala (NM_001354896.2); c.5645T>C, p.Val1882Ala (NM_001354897.2); c.5540T>C, p.Val1847Ala (NM_001354898.2); c.5531T>C, p.Val1844Ala (NM_001354899.2); c.5492T>C, p.Val1831Ala (NM_001354900.2); c.5438T>C, p.Val1813Ala (NM_001354901.2); and 5 more; short protein forms V1712A, V1771A, V1589A, V1781A, V1847A, V1890A, V1831A, V1872A.
Identifiers: ClinVar variation 934557 (VCV000934557.11), dbSNP rs748389037, ClinGen allele CA16033622.

ClinVar aggregate classification (germline): Uncertain significance. Review status: criteria provided, multiple submitters, no conflicts (2 of 4 stars). 3 submissions from 3 submitters: Uncertain significance (3). Last evaluated 2026-05-23.

Conditions:
Hereditary cancer-predisposing syndrome. Also called: Hereditary Cancer Syndrome; Neoplastic Syndromes, Hereditary; Tumor predisposition; Hereditary neoplastic syndrome. Identifiers: Orphanet 140162, MedGen C0027672, MeSH D009386, MONDO:0015356.
Familial adenomatous polyposis 1 (FAP1). Also called: FAMILIAL ADENOMATOUS POLYPOSIS 1, ATTENUATED; POLYPOSIS, ADENOMATOUS INTESTINAL. Identifiers: MedGen C2713442, MONDO:0021056, OMIM 175100. Disease mechanism: loss of function.

Submissions (3):

Ambry Genetics
Classification: Uncertain significance for Hereditary cancer-predisposing syndrome. Last evaluated: 2026-05-23. Review status: criteria provided, single submitter. Criteria: Ambry Variant Classification Scheme 2023. Collection method: clinical testing. Allele origin: germline.

Baylor Genetics
Classification: Uncertain significance for Familial adenomatous polyposis 1. Last evaluated: 2024-03-30. Review status: criteria provided, single submitter. Criteria: ACMG Guidelines, 2015. Collection method: clinical testing. Allele origin: unknown.

Labcorp Genetics (formerly Invitae), Labcorp
Classification: Uncertain significance for Familial adenomatous polyposis 1. Last evaluated: 2024-01-03. Review status: criteria provided, single submitter. Criteria: Invitae Variant Classification Sherloc (09022015). Collection method: clinical testing. Allele origin: germline.
Comment: This sequence change replaces valine, which is neutral and non-polar, with alanine, which is neutral and non-polar, at codon 1872 of the APC protein (p.Val1872Ala). This variant is not present in population databases (gnomAD no frequency). This variant has not been reported in the literature in individuals affected with APC-related conditions. ClinVar contains an entry for this variant (Variation ID: 934557). Advanced modeling of protein sequence and biophysical properties (such as structural, functional, and spatial information, amino acid conservation, physicochemical variation, residue mobility, and thermodynamic stability) performed at Invitae indicates that this missense variant is not expected to disrupt APC protein function with a negative predictive value of 95%. In summary, the available evidence is currently insufficient to determine the role of this variant in disease. Therefore, it has been classified as a Variant of Uncertain Significance.